The following is an entry in ClinVar:

ClinVar aggregate classification (germline): Uncertain significance (1 of 4 stars; one submission).

Allele frequency attached by ClinVar (database versions not stated): gnomAD exomes below 0.00001 and 0.00001; ExAC 0.00001; gnomAD 0.00002.
gnomAD v4.1: 4 of 1,614,062 alleles (0.00025%); highest among the groups gnomAD compares: East Asian, 0.0045%; no homozygotes.

Submission:

Labcorp Genetics (formerly Invitae), Labcorp
Classification: Uncertain significance. Last evaluated: 2022-01-06. Review status: criteria provided, single submitter. Criteria: Invitae Variant Classification Sherloc (09022015). Collection method: clinical testing. Allele origin: germline.
Comment: In summary, the available evidence is currently insufficient to determine the role of this variant in disease. Therefore, it has been classified as a Variant of Uncertain Significance. Algorithms developed to predict the effect of missense changes on protein structure and function are either unavailable or do not agree on the potential impact of this missense change (SIFT: "Deleterious"; PolyPhen-2: "Benign"; Align-GVGD: "Class C0"). ClinVar contains an entry for this variant (Variation ID: 1059337). This variant has not been reported in the literature in individuals affected with AHR-related conditions. This variant is present in population databases (rs761891341, gnomAD 0.01%). This sequence change replaces leucine, which is neutral and non-polar, with phenylalanine, which is neutral and non-polar, at codon 530 of the AHR protein (p.Leu530Phe).

NM_001621.5(AHR):c.1588C>T (p.Leu530Phe)

Gene: AHR (aryl hydrocarbon receptor; plus strand). Cytogenetic location: 7p21.1.
Variant type: single nucleotide variant.
Coding change: c.1588C>T on transcript NM_001621.5 (MANE Select); coding-DNA position 1588, C replaced by T.
Protein change: p.Leu530Phe; replaces leucine 530 with phenylalanine.
Molecular consequence: missense variant.
Genome position (GRCh38, 1-based): chr7:17,339,413, C>T. VCF-style: chr7-17339413-C-T. GRCh37 (hg19) VCF-style: chr7-17379037-C-T.
Other names: short protein forms L530F.
Identifiers: ClinVar variation 1059337 (VCV001059337.10), dbSNP rs761891341, ClinGen allele CA4172152.